The following is an entry in ClinVar:

NM_013262.4(MYLIP):c.209C>T (p.Ala70Val)

Gene: MYLIP (myosin regulatory light chain interacting protein; plus strand). Cytogenetic location: 6p22.3.
Variant type: single nucleotide variant.
Coding change: c.209C>T on transcript NM_013262.4 (MANE Select); coding-DNA position 209, C replaced by T.
Protein change: p.Ala70Val; replaces alanine 70 with valine.
Molecular consequence: missense variant.
Genome position (GRCh38, 1-based): chr6:16,130,678, C>T. VCF-style: chr6-16130678-C-T. GRCh37 (hg19) VCF-style: chr6-16130909-C-T.
Other names: short protein forms A70V.
Identifiers: ClinVar variation 3637370 (VCV003637370.2).

ClinVar aggregate classification (germline): Uncertain significance (1 of 4 stars; one submission).

gnomAD v4.1: 3 of 1,614,052 alleles (0.00019%); highest among the groups gnomAD compares: Non-Finnish European, 0.00025%; no homozygotes.

Submission:

Labcorp Genetics (formerly Invitae), Labcorp
Classification: Uncertain significance. Last evaluated: 2024-01-29. Review status: criteria provided, single submitter. Criteria: Invitae Variant Classification Sherloc (09022015). Collection method: clinical testing. Allele origin: germline.
Comment: This sequence change replaces alanine, which is neutral and non-polar, with valine, which is neutral and non-polar, at codon 70 of the MYLIP protein (p.Ala70Val). This variant is present in population databases (no rsID available, gnomAD 0.007%). This variant has not been reported in the literature in individuals affected with MYLIP-related conditions. An algorithm developed to predict the effect of missense changes on protein structure and function (PolyPhen-2) suggests that this variant is likely to be tolerated. In summary, the available evidence is currently insufficient to determine the role of this variant in disease. Therefore, it has been classified as a Variant of Uncertain Significance.